The following is an entry in ClinVar:

ClinVar aggregate classification (germline): Uncertain significance (1 of 4 stars; one submission).

Submission:

Women's Health and Genetics/Laboratory Corporation of America, LabCorp
Classification: Uncertain significance. Last evaluated: 2022-04-12. Review status: criteria provided, single submitter. Criteria: LabCorp Variant Classification Summary - May 2015. Collection method: clinical testing. Allele origin: germline.
Comment: Variant summary: The variant identified by MLPA or other technology involves the duplication of exons 1-6 (the full coding sequence) in the SLC16A2 gene. A presumed nomenclature of c.(?_-146)_(*2377_?)dup has been designated for the purposes of this classification. It has been assumed that this is a tandem duplication in direct orientation (Richardson_GIM_2018, Newman_AJHG_2015). Since exact breakpoints of this duplication are not known, it might extend beyond the assayed region of the SLC16A2 gene, including other flanking genes. The variant was absent in 15789 control chromosomes (gnomAD SVs, Structural Variants dataset). To our knowledge, no occurrence of c.(?_-146)_(*2377_?)dup in individuals affected with Allan-Herndon-Dudley Syndrome and no experimental evidence demonstrating its impact on protein function have been reported. One ClinVar submitter (evaluation after 2014) cites the variant as uncertain significance. Based on the evidence outlined above, large duplication variants involving the full coding sequence of the SLC16A2 gene, together with flanking DNA segments that include the essential regulatory regions, are classified as uncertain significance.

NC_000023.10:g.(?_73641327)_(73753765_?)dup

Gene: SLC16A2 (solute carrier family 16 member 2; plus strand). Cytogenetic location: Xq13.2.
Variant type: Duplication.
Identifiers: ClinVar variation 1683322 (VCV001683322.1).